The following is an entry in ClinVar:

ClinVar aggregate classification (germline): Uncertain significance. Review status: criteria provided, multiple submitters, no conflicts (2 of 4 stars). 2 submissions from 2 submitters: Uncertain significance (2). Last evaluated 2025-03-18.

Conditions:
Hereditary cancer-predisposing syndrome. Also called: Hereditary Cancer Syndrome; Hereditary neoplastic syndrome; Tumor predisposition; Neoplastic Syndromes, Hereditary. Identifiers: Orphanet 140162, MedGen C0027672, MeSH D009386, MONDO:0015356.
Haddad syndrome (OHD). Also called: Ondine-Hirschsprung disease. Identifiers: Orphanet 99803, MedGen C1859049, MONDO:0020493.

Allele frequency attached by ClinVar (database versions not stated): gnomAD exomes 0.00001.

Submissions (2):

Ambry Genetics
Classification: Uncertain significance for Hereditary cancer-predisposing syndrome. Last evaluated: 2025-03-18. Review status: criteria provided, single submitter. Criteria: Ambry Variant Classification Scheme 2023. Collection method: clinical testing. Allele origin: germline.
Comment: The p.A260T variant (also known as c.778G>A), located in coding exon 3 of the PHOX2B gene, results from a G to A substitution at nucleotide position 778. The alanine at codon 260 is replaced by threonine, an amino acid with similar properties. This amino acid position is conserved. In addition, the in silico prediction for this alteration is inconclusive. Since supporting evidence is limited at this time, the clinical significance of this alteration remains unclear.

Labcorp Genetics (formerly Invitae), Labcorp
Classification: Uncertain significance for Haddad syndrome. Last evaluated: 2023-11-10. Review status: criteria provided, single submitter. Criteria: Invitae Variant Classification Sherloc (09022015). Collection method: clinical testing. Allele origin: germline.
Comment: This sequence change replaces alanine, which is neutral and non-polar, with threonine, which is neutral and polar, at codon 260 of the PHOX2B protein (p.Ala260Thr). This variant is not present in population databases (gnomAD no frequency). This variant has not been reported in the literature in individuals affected with PHOX2B-related conditions. ClinVar contains an entry for this variant (Variation ID: 841301). Experimental studies and prediction algorithms are not available or were not evaluated, and the functional significance of this variant is currently unknown. In summary, the available evidence is currently insufficient to determine the role of this variant in disease. Therefore, it has been classified as a Variant of Uncertain Significance.

NM_003924.4(PHOX2B):c.778G>A (p.Ala260Thr)

Gene: PHOX2B (paired like homeobox 2B; minus strand). Cytogenetic location: 4p13.
Variant type: single nucleotide variant.
Coding change: c.778G>A on transcript NM_003924.4 (MANE Select); coding-DNA position 778, G replaced by A.
Protein change: p.Ala260Thr; replaces alanine 260 with threonine.
Molecular consequence: missense variant.
Genome position (GRCh38, 1-based): chr4:41,745,974, C>T on the plus strand (G>A on the coding strand, the complement: PHOX2B is on the minus strand). VCF-style: chr4-41745974-C-T. GRCh37 (hg19) VCF-style: chr4-41747991-C-T.
Other names: short protein forms A260T.
Identifiers: ClinVar variation 841301 (VCV000841301.12), dbSNP rs1383528417, ClinGen allele CA356737154.